The following is an entry in ClinVar:

NM_030962.4(SBF2):c.4967C>T (p.Ala1656Val)

Genes: SBF2 (SET binding factor 2; minus strand), SBF2-AS1 (SBF2 antisense RNA 1; plus strand), LOC105369149 (uncharacterized LOC105369149; plus strand). Cytogenetic location: 11p15.4.
Variant type: single nucleotide variant.
Coding change: c.4967C>T on transcript NM_030962.4 (MANE Select); coding-DNA position 4967, C replaced by T.
Protein change: p.Ala1656Val; replaces alanine 1656 with valine.
Molecular consequence: missense variant.
Genome position (GRCh38, 1-based): chr11:9,787,704, G>A on the plus strand (C>T on the coding strand, the complement: SBF2 is on the minus strand). VCF-style: chr11-9787704-G-A. GRCh37 (hg19) VCF-style: chr11-9809251-G-A.
Other names: c.5063C>T, p.Ala1688Val (NM_001386339.1); c.4838C>T, p.Ala1613Val (NM_001386342.1); short protein forms A1656V, A1613V, A1688V.
Identifiers: ClinVar variation 967536 (VCV000967536.10), dbSNP rs139634638, ClinGen allele CA379632979.

ClinVar aggregate classification (germline): Uncertain significance (1 of 4 stars; one submission).

Conditions:
Charcot-Marie-Tooth disease type 4. Also called: Charcot-Marie-Tooth, Type 4; Charcot-Marie-Tooth disease, type IV. Identifiers: Orphanet 64749, MedGen C4082197, MONDO:0018995.

gnomAD v4.1: 1 of 1,614,198 alleles (0.000062%); highest among the groups gnomAD compares: Non-Finnish European, 0.000085%; no homozygotes.

Submission:

Labcorp Genetics (formerly Invitae), Labcorp
Classification: Uncertain significance for Charcot-Marie-Tooth disease type 4. Last evaluated: 2024-04-06. Review status: criteria provided, single submitter. Criteria: Invitae Variant Classification Sherloc (09022015). Collection method: clinical testing. Allele origin: germline.
Comment: This sequence change replaces alanine, which is neutral and non-polar, with valine, which is neutral and non-polar, at codon 1656 of the SBF2 protein (p.Ala1656Val). This variant is not present in population databases (gnomAD no frequency). This variant has not been reported in the literature in individuals affected with SBF2-related conditions. ClinVar contains an entry for this variant (Variation ID: 967536). Advanced modeling of protein sequence and biophysical properties (such as structural, functional, and spatial information, amino acid conservation, physicochemical variation, residue mobility, and thermodynamic stability) performed at Invitae indicates that this missense variant is not expected to disrupt SBF2 protein function with a negative predictive value of 80%. In summary, the available evidence is currently insufficient to determine the role of this variant in disease. Therefore, it has been classified as a Variant of Uncertain Significance.